The following is an entry in ClinVar:

NM_003136.4(SRP54):c.718G>A (p.Val240Ile)

Gene: SRP54 (signal recognition particle 54; plus strand). Cytogenetic location: 14q13.2.
Variant type: single nucleotide variant.
Coding change: c.718G>A on transcript NM_003136.4 (MANE Select); coding-DNA position 718, G replaced by A.
Protein change: p.Val240Ile; replaces valine 240 with isoleucine.
Molecular consequence: missense variant.
Genome position (GRCh38, 1-based): chr14:35,013,427, G>A. VCF-style: chr14-35013427-G-A. GRCh37 (hg19) VCF-style: chr14-35482633-G-A.
Other names: c.571G>A, p.Val191Ile (NM_001146282.2); c.718G>A, p.Val240Ile (NM_001411017.1, NM_001440813.1); short protein forms V191I, V240I.
Identifiers: ClinVar variation 4759601 (VCV004759601.1).

ClinVar aggregate classification (germline): Uncertain significance (1 of 4 stars; one submission).

gnomAD v4.1: 3 of 1,614,226 alleles (0.00019%); highest among the groups gnomAD compares: Non-Finnish European, 0.00025%; no homozygotes.

Submission:

Labcorp Genetics (formerly Invitae), Labcorp
Classification: Uncertain significance. Last evaluated: 2025-04-07. Review status: criteria provided, single submitter. Criteria: Invitae Variant Classification Sherloc (09022015). Collection method: clinical testing. Allele origin: germline.
Comment: This sequence change replaces valine, which is neutral and non-polar, with isoleucine, which is neutral and non-polar, at codon 240 of the SRP54 protein (p.Val240Ile). This variant is present in population databases (no rsID available, gnomAD 0.0009%). This variant has not been reported in the literature in individuals affected with SRP54-related conditions. Invitae Evidence Modeling of protein sequence and biophysical properties (such as structural, functional, and spatial information, amino acid conservation, physicochemical variation, residue mobility, and thermodynamic stability) indicates that this missense variant is not expected to disrupt SRP54 protein function with a negative predictive value of 80%. In summary, the available evidence is currently insufficient to determine the role of this variant in disease. Therefore, it has been classified as a Variant of Uncertain Significance.